The following is an entry in ClinVar:

ClinVar aggregate classification (germline): Uncertain significance (1 of 4 stars; one submission).

gnomAD v4.1: 10 of 1,548,134 alleles (0.00065%); highest among the groups gnomAD compares: Non-Finnish European, 0.00087%; no homozygotes.

Submission:

Mayo Clinic Laboratories, Mayo Clinic
Classification: Uncertain significance. Last evaluated: 2025-01-30. Review status: criteria provided, single submitter. Criteria: ACMG Guidelines, 2015. Collection method: clinical testing. Allele origin: germline. Observed: 1 variant allele.
Comment: BP4, PM2_supporting

NM_001367624.2(ZNF469):c.8668C>T (p.Pro2890Ser)

Gene: ZNF469 (zinc finger protein 469; plus strand). Cytogenetic location: 16q24.2.
Variant type: single nucleotide variant.
Coding change: c.8668C>T on transcript NM_001367624.2 (MANE Select); coding-DNA position 8668, C replaced by T.
Protein change: p.Pro2890Ser; replaces proline 2890 with serine.
Molecular consequence: missense variant.
Genome position (GRCh38, 1-based): chr16:88,436,138, C>T. VCF-style: chr16-88436138-C-T. GRCh37 (hg19) VCF-style: chr16-88502546-C-T.
Other names: p.Pro2890Ser; short protein forms P2890S.
Identifiers: ClinVar variation 4542074 (VCV004542074.1).